The following is an entry in ClinVar:

NC_000007.13:g.(?_107312573)_(107315564_?)del

Gene: SLC26A4 (solute carrier family 26 member 4; plus strand). Cytogenetic location: 7q22.3.
Variant type: Deletion.
Identifiers: ClinVar variation 2423098 (VCV002423098.3).

ClinVar aggregate classification (germline): Pathogenic (1 of 4 stars; one submission).

Submission:

Labcorp Genetics (formerly Invitae), Labcorp
Classification: Pathogenic. Last evaluated: 2022-07-06. Review status: criteria provided, single submitter. Criteria: Invitae Variant Classification Sherloc (09022015). Collection method: clinical testing. Allele origin: germline.
Comment: This variant is a gross deletion of the genomic region encompassing exon(s) 4-6 of the SLC26A4 gene. This deletion is out-of-frame, and is expected to create a premature termination codon and result in an absent or disrupted protein product. Loss-of-function variants in SLC26A4 are known to be pathogenic (PMID: 16283880, 25394566, 26252218, 26445815). A similar copy number variant has been observed in individual(s) with Pendred syndrome (PMID: 18285825, 24860705). For these reasons, this variant has been classified as Pathogenic.

Literature cited by the submitters: PubMed 16283880; PubMed 25394566; PubMed 26252218; PubMed 26445815; PubMed 18285825; PubMed 24860705.